The following is an entry in ClinVar:

NM_005592.4(MUSK):c.1363T>G (p.Tyr455Asp)

Gene: MUSK (muscle associated receptor tyrosine kinase; plus strand). Cytogenetic location: 9q31.3.
Variant type: single nucleotide variant.
Coding change: c.1363T>G on transcript NM_005592.4 (MANE Select); coding-DNA position 1363, T replaced by G.
Protein change: p.Tyr455Asp; replaces tyrosine 455 with aspartic acid.
Molecular consequence: missense variant. On other transcripts: intron variant (3).
Genome position (GRCh38, 1-based): chr9:110,776,634, T>G. VCF-style: chr9-110776634-T-G. GRCh37 (hg19) VCF-style: chr9-113538914-T-G.
Other names: c.1096+671T>G (NM_001166281.2); c.124+671T>G (NM_001369398.1); c.1363T>G (NM_005592.3); c.1126+671T>G (NM_001166280.2); short protein forms Y455D.
Identifiers: ClinVar variation 1349071 (VCV001349071.4), dbSNP rs369240171, ClinGen allele CA5184344.

ClinVar aggregate classification (germline): Uncertain significance. Review status: criteria provided, multiple submitters, no conflicts (2 of 4 stars). 2 submissions from 2 submitters: Uncertain significance (2). Last evaluated 2022-08-16.

Conditions:
Inborn genetic diseases. Identifiers: MedGen C0950123, MeSH D030342.
Congenital myasthenic syndrome 9. Also called: Myasthenic syndrome, congenital, 9, associated with acetylcholine receptor deficiency. Identifiers: Orphanet 590, MedGen C4225368, MONDO:0014587, OMIM 616325.
Fetal akinesia deformation sequence 1 (FADS1). Also called: Fetal akinesia sequence; Pena-Shokeir syndrome type I. Identifiers: Orphanet 994, MedGen C1276035, MONDO:0100101, OMIM 208150, HP:0001989.

Allele frequency attached by ClinVar (database versions not stated): TOPMed 0.00001; gnomAD exomes 0.00002; ExAC 0.00003; ESP Exome Variant Server 0.00008.
gnomAD v4.1: 23 of 1,599,274 alleles (0.0014%); highest among the groups gnomAD compares: Non-Finnish European, 0.002%; no homozygotes.

Submissions (2):

Labcorp Genetics (formerly Invitae), Labcorp
Classification: Uncertain significance for Congenital myasthenic syndrome 9; Fetal akinesia deformation sequence 1. Last evaluated: 2022-08-16. Review status: criteria provided, single submitter. Criteria: Invitae Variant Classification Sherloc (09022015). Collection method: clinical testing. Allele origin: germline.
Comment: This sequence change replaces tyrosine, which is neutral and polar, with aspartic acid, which is acidic and polar, at codon 455 of the MUSK protein (p.Tyr455Asp). This variant is present in population databases (rs369240171, gnomAD 0.005%). This variant has not been reported in the literature in individuals affected with MUSK-related conditions. ClinVar contains an entry for this variant (Variation ID: 1349071). Algorithms developed to predict the effect of missense changes on protein structure and function are either unavailable or do not agree on the potential impact of this missense change (SIFT: "Deleterious"; PolyPhen-2: "Benign"; Align-GVGD: "Class C45"). In summary, the available evidence is currently insufficient to determine the role of this variant in disease. Therefore, it has been classified as a Variant of Uncertain Significance.

Ambry Genetics
Classification: Uncertain significance for Inborn genetic diseases. Last evaluated: 2021-11-15. Review status: criteria provided, single submitter. Criteria: Ambry Variant Classification Scheme 2023. Collection method: clinical testing. Allele origin: germline.